The following is an entry in ClinVar:

NM_014484.5(MOCS3):c.969A>G (p.Lys323=)

Gene: MOCS3 (molybdenum cofactor synthesis 3; plus strand). Cytogenetic location: 20q13.13.
Variant type: single nucleotide variant.
Coding change: c.969A>G on transcript NM_014484.5 (MANE Select); coding-DNA position 969, A replaced by G.
Protein change: p.Lys323=; no amino-acid change (lysine 323 retained).
Molecular consequence: synonymous variant.
Genome position (GRCh38, 1-based): chr20:50,959,811, A>G. VCF-style: chr20-50959811-A-G. GRCh37 (hg19) VCF-style: chr20-49576348-A-G.
Other names: c.969A>G (NM_014484.4).
Identifiers: ClinVar variation 1596262 (VCV001596262.10), dbSNP rs2235739, ClinGen allele CA9909516.

ClinVar aggregate classification (germline): Benign. Review status: criteria provided, single submitter (1 of 4 stars). 2 submissions from 2 submitters: Benign (1). 1 of the submissions does not count toward it. Last evaluated 2026-02-02.

Conditions:
MOCS3-related disorder. Also called: MOCS3-related condition.

Allele frequency attached by ClinVar (database versions not stated): ESP Exome Variant Server 0.00031; gnomAD 0.00236 and 0.00327; ExAC 0.00633; gnomAD exomes 0.00684; 1000 Genomes Project 30x 0.01421; 1000 Genomes Project 0.01518.
gnomAD v4.1: 4,415 of 1,614,198 alleles (0.27%); highest among the groups gnomAD compares: East Asian, 8.4%; 196 homozygotes.

Submissions (2):

Labcorp Genetics (formerly Invitae), Labcorp
Classification: Benign. Last evaluated: 2026-02-02. Review status: criteria provided, single submitter. Criteria: Invitae Variant Classification Sherloc (09022015). Collection method: clinical testing. Allele origin: germline.

PreventionGenetics, part of Exact Sciences
Classification: Benign for MOCS3-related condition. Last evaluated: 2019-03-20. Review status: no assertion criteria provided. Collection method: clinical testing. Allele origin: germline. Not counted in ClinVar's aggregate classification.
Comment: This variant is classified as benign based on ACMG/AMP sequence variant interpretation guidelines (Richards et al. 2015 PMID: 25741868, with internal and published modifications).